The following is an entry in ClinVar:

NM_002332.3(LRP1):c.3369G>A (p.Trp1123Ter)

Gene: LRP1 (LDL receptor related protein 1; plus strand). Cytogenetic location: 12q13.3.
Variant type: single nucleotide variant.
Coding change: c.3369G>A on transcript NM_002332.3 (MANE Select); coding-DNA position 3369, G replaced by A.
Protein change: p.Trp1123Ter; replaces tryptophan 1123 with a stop codon.
Molecular consequence: nonsense.
Genome position (GRCh38, 1-based): chr12:57,173,802, G>A. VCF-style: chr12-57173802-G-A. GRCh37 (hg19) VCF-style: chr12-57567585-G-A.
Other names: short protein forms W1123*.
Identifiers: ClinVar variation 4975107 (VCV004975107.1).

ClinVar aggregate classification (germline): Uncertain significance (1 of 4 stars; one submission).

Submission:

GeneDx
Classification: Uncertain significance. Last evaluated: 2025-02-02. Review status: criteria provided, single submitter. Criteria: GeneDx Variant Classification Process June 2021. Collection method: clinical testing. Allele origin: germline.
Comment: Not observed at significant frequency in large population cohorts (gnomAD); Nonsense variant predicted to result in protein truncation or nonsense mediated decay in a gene or region of a gene for which loss of function is not a well-established mechanism of disease; Has not been previously published as pathogenic or benign to our knowledge; Variants in candidate genes are classified as variants of uncertain significance in accordance with ACMG guidelines (PMID: 25741868)